The following is an entry in ClinVar:

NM_024721.5(ZFHX4):c.8491G>A (p.Gly2831Arg)

Gene: ZFHX4 (zinc finger homeobox 4; plus strand). Cytogenetic location: 8q21.13.
Variant type: single nucleotide variant.
Coding change: c.8491G>A on transcript NM_024721.5 (MANE Select); coding-DNA position 8491, G replaced by A.
Protein change: p.Gly2831Arg; replaces glycine 2831 with arginine.
Molecular consequence: missense variant.
Genome position (GRCh38, 1-based): chr8:76,855,412, G>A. VCF-style: chr8-76855412-G-A. GRCh37 (hg19) VCF-style: chr8-77767648-G-A.
Other names: c.8413G>A, p.Gly2805Arg (NM_001410934.1); short protein forms G2805R, G2831R.
Identifiers: ClinVar variation 3193067 (VCV003193067.2), dbSNP rs554869311, ClinGen allele CA4788170.

ClinVar aggregate classification (germline): Uncertain significance. Review status: criteria provided, multiple submitters, no conflicts (2 of 4 stars). 2 submissions from 2 submitters: Uncertain significance (2). Last evaluated 2024-06-21.

Allele frequency attached by ClinVar (database versions not stated): gnomAD 0.00011; gnomAD exomes 0.00001; ExAC 0.00003; 1000 Genomes Project 30x 0.00016; 1000 Genomes Project 0.00020; TOPMed 0.00025.
gnomAD v4.1: 38 of 1,613,502 alleles (0.0024%); highest among the groups gnomAD compares: Admixed American, 0.025%; no homozygotes.

Submissions (2):

GeneDx
Classification: Uncertain significance. Last evaluated: 2024-06-21. Review status: criteria provided, single submitter. Criteria: GeneDx Variant Classification Process June 2021. Collection method: clinical testing. Allele origin: germline. Affected: yes.
Comment: In silico analysis supports that this missense variant has a deleterious effect on protein structure/function; Has not been previously published as pathogenic or benign to our knowledge; Variants in candidate genes are classified as variants of uncertain significance in accordance with ACMG guidelines (PMID: 25741868)

Ambry Genetics
Classification: Uncertain significance. Last evaluated: 2021-08-13. Review status: criteria provided, single submitter. Criteria: Ambry Variant Classification Scheme 2023. Collection method: clinical testing. Allele origin: germline.